The following is an entry in ClinVar:

NM_000217.3(KCNA1):c.1438A>G (p.Thr480Ala)

Gene: KCNA1 (potassium voltage-gated channel subfamily A member 1; plus strand). Cytogenetic location: 12p13.32.
Variant type: single nucleotide variant.
Coding change: c.1438A>G on transcript NM_000217.3 (MANE Select); coding-DNA position 1438, A replaced by G.
Protein change: p.Thr480Ala; replaces threonine 480 with alanine.
Molecular consequence: missense variant.
Genome position (GRCh38, 1-based): chr12:4,912,816, A>G. VCF-style: chr12-4912816-A-G. GRCh37 (hg19) VCF-style: chr12-5021982-A-G.
Other names: short protein forms T480A.
Identifiers: ClinVar variation 2727744 (VCV002727744.3), dbSNP rs769434101, ClinGen allele CA6399510.
Genomic context (GRCh38, chr12:4,912,816, plus strand): 5'-GATATGAATAATAGCATAGCCCATTATAGACAGGTCAATATCAGAACTGCCAATTGCACC[A>G]CTGCTAACCAAAACTGCGTTAATAAGAGCAAGCTACTGACCGATGTTTAAAAAACAAAGG-3'
Protein context (NP_000208.2, residues 470-490): QVNIRTANCT[Thr480Ala]ANQNCVNKSK

ClinVar aggregate classification (germline): Uncertain significance (1 of 4 stars; one submission).

Conditions:
Episodic ataxia type 1 (EA1). Also called: ATAXIA, EPISODIC, WITH MYOKYMIA; MYOKYMIA WITH PERIODIC ATAXIA; PAROXYSMAL ATAXIA WITH NEUROMYOTONIA, HEREDITARY; Episodic ataxia/myokymia syndrome. Identifiers: Orphanet 37612, Orphanet 972, MedGen C1719788, MONDO:0008047, OMIM 160120.

Allele frequency attached by ClinVar (database versions not stated): gnomAD exomes below 0.00001; ExAC 0.00001.

Submission:

Labcorp Genetics (formerly Invitae), Labcorp
Classification: Uncertain significance for Episodic ataxia type 1. Last evaluated: 2023-10-16. Review status: criteria provided, single submitter. Criteria: Invitae Variant Classification Sherloc (09022015). Collection method: clinical testing. Allele origin: germline.
Comment: This sequence change replaces threonine, which is neutral and polar, with alanine, which is neutral and non-polar, at codon 480 of the KCNA1 protein (p.Thr480Ala). This variant is present in population databases (rs769434101, gnomAD 0.002%). This variant has not been reported in the literature in individuals affected with KCNA1-related conditions. Advanced modeling of protein sequence and biophysical properties (such as structural, functional, and spatial information, amino acid conservation, physicochemical variation, residue mobility, and thermodynamic stability) performed at Invitae indicates that this missense variant is not expected to disrupt KCNA1 protein function. In summary, the available evidence is currently insufficient to determine the role of this variant in disease. Therefore, it has been classified as a Variant of Uncertain Significance.